The following is an entry in ClinVar:

ClinVar aggregate classification (germline): Likely benign (1 of 4 stars; one submission).

Conditions:
PLXNA3-related disorder. Also called: PLXNA3-related condition.

gnomAD v4.1: 22 of 1,208,479 alleles (0.0018%); highest among the groups gnomAD compares: Middle Eastern, 0.069%; no homozygotes.

Submission:

PreventionGenetics, part of Exact Sciences
Classification: Likely benign for PLXNA3-related condition. Last evaluated: 2025-11-10. Review status: criteria provided, single submitter. Criteria: ACMG Guidelines, 2015. Collection method: clinical testing. Allele origin: germline.
Comment: This variant is classified as likely benign based on ACMG/AMP sequence variant interpretation guidelines (Richards et al. 2015 PMID: 25741868, with internal and published modifications).

NM_017514.5(PLXNA3):c.2457C>G (p.His819Gln)

Gene: PLXNA3 (plexin A3; plus strand). Cytogenetic location: Xq28.
Variant type: single nucleotide variant.
Coding change: c.2457C>G on transcript NM_017514.5 (MANE Select); coding-DNA position 2457, C replaced by G.
Protein change: p.His819Gln; replaces histidine 819 with glutamine.
Molecular consequence: missense variant.
Genome position (GRCh38, 1-based): chrX:154,465,772, C>G. VCF-style: chrX-154465772-C-G. GRCh37 (hg19) VCF-style: chrX-153694115-C-G.
Other names: short protein forms H819Q.
Identifiers: ClinVar variation 4986475 (VCV004986475.1).